The following is an entry in ClinVar:

ClinVar aggregate classification (germline): Likely benign. Review status: criteria provided, multiple submitters, no conflicts (2 of 4 stars). 2 submissions from 2 submitters: Likely benign (2). Last evaluated 2018-06-14.

Allele frequency attached by ClinVar (database versions not stated): gnomAD 0.01560 and 0.01738; TOPMed 0.01903; 1000 Genomes Project 0.04133; 1000 Genomes Project 30x 0.04201.
gnomAD v4.1: 2,614 of 152,200 alleles (1.7%); highest among the groups gnomAD compares: East Asian, 9.1%; 71 homozygotes.

Submissions (2):

GeneDx
Classification: Likely benign. Last evaluated: 2018-06-14. Review status: criteria provided, single submitter. Criteria: GeneDx Variant Classification (06012015). Collection method: clinical testing. Allele origin: germline. Affected: yes.
Comment: This variant is considered likely benign or benign based on one or more of the following criteria: it is a conservative change, it occurs at a poorly conserved position in the protein, it is predicted to be benign by multiple in silico algorithms, and/or has population frequency not consistent with disease.

Breakthrough Genomics
Classification: Likely benign. Review status: criteria provided, single submitter. Criteria: ACMG Guidelines, 2015. Collection method: not provided. Allele origin: germline. Inheritance: Autosomal recessive inheritance. Affected: yes.

NM_153026.3(PRICKLE1):c.-48-204G>A

Gene: PRICKLE1 (prickle planar cell polarity protein 1; minus strand). Cytogenetic location: 12q12.
Variant type: single nucleotide variant.
Coding change: c.-48-204G>A on transcript NM_153026.3 (MANE Select); 204 bases into the intron before 48 bases upstream of the start codon, G replaced by A.
Molecular consequence: intron variant.
Genome position (GRCh38, 1-based): chr12:42,472,768, C>T on the plus strand (G>A on the coding strand, the complement: PRICKLE1 is on the minus strand). VCF-style: chr12-42472768-C-T. GRCh37 (hg19) VCF-style: chr12-42866570-C-T.
Other names: c.-45-207G>A (NM_001144883.2); c.-48-204G>A (NM_001144882.2, NM_001144881.2).
Identifiers: ClinVar variation 677533 (VCV000677533.2), dbSNP rs74781866, ClinGen allele CA13764503.
Genomic context (GRCh38, chr12:42,472,768, plus strand): 5'-GCCCCAGGCCCCCTGAAATTTAAAATTTAGAGCTATATAATTTGGTAGTAGTCTCTTTGC[C>T]AGCTCAGAATTTCAGAACATGCCACCAAAGCTAGTTTATTTCCAGGAGCCTTTAAAAGGT-3'